The following is an entry in ClinVar:

NM_004758.4(TSPOAP1):c.2213C>T (p.Ser738Leu)

Gene: TSPOAP1 (TSPO associated protein 1; minus strand). Cytogenetic location: 17q22.
Variant type: single nucleotide variant.
Coding change: c.2213C>T on transcript NM_004758.4 (MANE Select); coding-DNA position 2213, C replaced by T.
Protein change: p.Ser738Leu; replaces serine 738 with leucine.
Molecular consequence: missense variant.
Genome position (GRCh38, 1-based): chr17:58,312,608, G>A on the plus strand (C>T on the coding strand, the complement: TSPOAP1 is on the minus strand). VCF-style: chr17-58312608-G-A. GRCh37 (hg19) VCF-style: chr17-56389969-G-A.
Other names: c.2213C>T, p.Ser738Leu (NM_001261835.2); c.2033C>T, p.Ser678Leu (NM_024418.3); short protein forms S678L, S738L.
Identifiers: ClinVar variation 2635696 (VCV002635696.1), dbSNP rs1971108936, ClinGen allele CA400367774.

ClinVar aggregate classification (germline): Uncertain significance (1 of 4 stars; one submission).

Conditions:
TSPOAP1-related disorder. Also called: TSPOAP1-related condition.

Allele frequency attached by ClinVar (database versions not stated): gnomAD exomes below 0.00001; TOPMed below 0.00001.
gnomAD v4.1: 3 of 1,613,812 alleles (0.00019%); highest among the groups gnomAD compares: Non-Finnish European, 0.00025%; no homozygotes.

Submission:

PreventionGenetics, part of Exact Sciences
Classification: Uncertain significance for TSPOAP1-related condition. Last evaluated: 2023-09-12. Review status: criteria provided, single submitter. Criteria: ACMG Guidelines, 2015. Collection method: clinical testing. Allele origin: germline.
Comment: The TSPOAP1 c.2213C>T variant is predicted to result in the amino acid substitution p.Ser738Leu. To our knowledge, this variant has not been reported in the literature or in a large population database, indicating this variant is rare. At this time, the clinical significance of this variant is uncertain due to the absence of conclusive functional and genetic evidence.